The following is an entry in ClinVar:

ClinVar aggregate classification (germline): Uncertain significance (1 of 4 stars; one submission).

Conditions:
SEMA3B-related disorder. Also called: SEMA3B-related condition.

gnomAD v4.1: 4 of 1,581,140 alleles (0.00025%); highest among the groups gnomAD compares: African/African-American, 0.0027%; no homozygotes.

Submission:

PreventionGenetics, part of Exact Sciences
Classification: Uncertain significance for SEMA3B-related condition. Last evaluated: 2025-05-19. Review status: criteria provided, single submitter. Criteria: ACMG Guidelines, 2015. Collection method: clinical testing. Allele origin: germline.
Comment: The SEMA3B c.557A>G variant is predicted to result in the amino acid substitution p.Tyr186Cys. To our knowledge, this variant has not been reported in the literature. This variant is reported in 0.0035% of alleles in individuals of Latino descent in gnomAD. At this time, the clinical significance of this variant is uncertain due to the absence of conclusive functional and genetic evidence.

NM_001290060.2(SEMA3B):c.557A>G (p.Tyr186Cys)

Gene: SEMA3B (semaphorin 3B; plus strand). Cytogenetic location: 3p21.31.
Variant type: single nucleotide variant.
Coding change: c.557A>G on transcript NM_001290060.2 (MANE Select); coding-DNA position 557, A replaced by G.
Protein change: p.Tyr186Cys; replaces tyrosine 186 with cysteine.
Molecular consequence: missense variant.
Genome position (GRCh38, 1-based): chr3:50,271,373, A>G. VCF-style: chr3-50271373-A-G. GRCh37 (hg19) VCF-style: chr3-50308804-A-G.
Other names: c.557A>G, p.Tyr186Cys (NM_001005914.3, NM_001290061.1, NM_001435956.1 and 3 more transcripts); short protein forms Y186C.
Identifiers: ClinVar variation 4985150 (VCV004985150.1).